The following is an entry in ClinVar:

ClinVar aggregate classification (germline): Uncertain significance. Review status: criteria provided, multiple submitters, no conflicts (2 of 4 stars). 2 submissions from 2 submitters: Uncertain significance (2). Last evaluated 2024-02-02.

Conditions:
Inborn genetic diseases. Identifiers: MedGen C0950123, MeSH D030342.

Allele frequency attached by ClinVar (database versions not stated): ExAC 0.00001; gnomAD 0.00001.
gnomAD v4.1: 98 of 1,613,988 alleles (0.0061%); highest among the groups gnomAD compares: Non-Finnish European, 0.0075%; no homozygotes.

Submissions (2):

GeneDx
Classification: Uncertain significance. Last evaluated: 2024-02-02. Review status: criteria provided, single submitter. Criteria: GeneDx Variant Classification Process June 2021. Collection method: clinical testing. Allele origin: germline. Affected: yes.
Comment: Has not been previously published as pathogenic or benign to our knowledge; Not observed at significant frequency in large population cohorts (gnomAD); In silico analysis supports that this missense variant does not alter protein structure/function

Ambry Genetics
Classification: Uncertain significance for Inborn genetic diseases. Last evaluated: 2023-01-24. Review status: criteria provided, single submitter. Criteria: Ambry Variant Classification Scheme 2023. Collection method: clinical testing. Allele origin: germline.

NM_198129.4(LAMA3):c.8300T>C (p.Val2767Ala)

Gene: LAMA3 (laminin subunit alpha 3; plus strand). Cytogenetic location: 18q11.2.
Variant type: single nucleotide variant.
Coding change: c.8300T>C on transcript NM_198129.4 (MANE Select); coding-DNA position 8300, T replaced by C.
Protein change: p.Val2767Ala; replaces valine 2767 with alanine.
Molecular consequence: missense variant.
Genome position (GRCh38, 1-based): chr18:23,928,629, T>C. VCF-style: chr18-23928629-T-C. GRCh37 (hg19) VCF-style: chr18-21508593-T-C.
Other names: c.3473T>C, p.Val1158Ala (NM_000227.6); c.8132T>C, p.Val2711Ala (NM_001127717.4); c.3305T>C, p.Val1102Ala (NM_001127718.4); short protein forms V2767A, V2711A, V1158A, V1102A.
Identifiers: ClinVar variation 2461338 (VCV002461338.3), dbSNP rs753110722, ClinGen allele CA8916899.